The following is an entry in ClinVar:

ClinVar aggregate classification (germline): Conflicting classifications of pathogenicity. Review status: criteria provided, conflicting classifications (1 of 4 stars). 4 submissions from 4 submitters: Uncertain significance (3); Likely benign (1). Last evaluated 2025-12-24.

Conditions:
Telangiectasia, hereditary hemorrhagic, type 1 (HHT1). Also called: Osler Weber Rendu syndrome type 1; ENG-Related Hereditary Hemorrhagic Telangiectasia. Identifiers: Orphanet 774, MedGen C4551861, MONDO:0008535, OMIM 187300. Disease mechanism: loss of function.
Cardiovascular phenotype. Identifiers: MedGen CN230736.

Allele frequency attached by ClinVar (database versions not stated): gnomAD 0.00001; TOPMed 0.00002.
gnomAD v4.1: 59 of 1,564,088 alleles (0.0038%); highest among the groups gnomAD compares: Non-Finnish European, 0.004%; no homozygotes.

Submissions (4):

Ambry Genetics
Classification: Likely benign for Cardiovascular phenotype. Last evaluated: 2025-12-24. Review status: criteria provided, single submitter. Criteria: Ambry Variant Classification Scheme 2023. Collection method: clinical testing. Allele origin: germline.

Clinical Genomics Laboratory, Washington University in St. Louis
Classification: Uncertain significance for Telangiectasia, hereditary hemorrhagic, type 1. Last evaluated: 2025-06-16. Review status: criteria provided, single submitter. Criteria: ACMG Guidelines, 2015. Collection method: clinical testing. Allele origin: germline.
Comment: An ENG c.1955G>A (p.Cys652Tyr) variant was identified at a heterozygous allelic fraction of 50.3%, a frequency which may be consistent with germline origin. This variant, to our knowledge, has not been reported in the medical literature. The ENG c.1955G>A (p.Cys652Tyr) variant is observed on 59/1,564,088 alleles in the general population (gnomAD v4.1.0). Computational predictors are uncertain as to the impact of this variant on ENG function. Due to limited information, and based on ACMG/AMP guidelines for variant interpretation (Richards S et al., PMID: 25741868), the clinical significance of this variant is uncertain at this time.

Fulgent Genetics
Classification: Uncertain significance for Telangiectasia, hereditary hemorrhagic, type 1. Last evaluated: 2024-02-21. Review status: criteria provided, single submitter. Criteria: ACMG Guidelines, 2015. Collection method: clinical testing. Allele origin: germline.

GeneDx
Classification: Uncertain significance. Last evaluated: 2019-09-09. Review status: criteria provided, single submitter. Criteria: GeneDx Variant Classification Process June 2021. Collection method: clinical testing. Allele origin: germline. Affected: yes.
Comment: Has not been previously published as pathogenic or benign to our knowledge; Not observed at a significant frequency in large population cohorts (Lek et al., 2016); In silico analysis, which includes protein predictors and evolutionary conservation, supports a deleterious effect

NM_001114753.3(ENG):c.1955G>A (p.Cys652Tyr)

Gene: ENG (endoglin; minus strand). Cytogenetic location: 9q34.11.
Variant type: single nucleotide variant.
Coding change: c.1955G>A on transcript NM_001114753.3 (MANE Select); coding-DNA position 1955, G replaced by A.
Protein change: p.Cys652Tyr; replaces cysteine 652 with tyrosine.
Molecular consequence: missense variant.
Genome position (GRCh38, 1-based): chr9:127,815,704, C>T on the plus strand (G>A on the coding strand, the complement: ENG is on the minus strand). VCF-style: chr9-127815704-C-T. GRCh37 (hg19) VCF-style: chr9-130577983-C-T.
Other names: c.*213G>A (NM_000118.4); c.1409G>A, p.Cys470Tyr (NM_001278138.2); c.1955G>A (NM_001114753.1); short protein forms C470Y, C652Y.
Identifiers: ClinVar variation 810420 (VCV000810420.19), dbSNP rs774869649, ClinGen allele CA200301112.